The following is an entry in ClinVar:

NM_024642.5(GALNT12):c.654G>T (p.Ala218=)

Gene: GALNT12 (polypeptide N-acetylgalactosaminyltransferase 12; plus strand). Cytogenetic location: 9q22.33.
Variant type: single nucleotide variant.
Coding change: c.654G>T on transcript NM_024642.5 (MANE Select); coding-DNA position 654, G replaced by T.
Protein change: p.Ala218=; no amino-acid change (alanine 218 retained).
Molecular consequence: synonymous variant.
Genome position (GRCh38, 1-based): chr9:98,826,864, G>T. VCF-style: chr9-98826864-G-T. GRCh37 (hg19) VCF-style: chr9-101589146-G-T.
Identifiers: ClinVar variation 1754156 (VCV001754156.8), dbSNP rs745820082, ClinGen allele CA196819550.

ClinVar aggregate classification (germline): Benign/Likely benign. Review status: criteria provided, multiple submitters, no conflicts (2 of 4 stars). 3 submissions from 3 submitters: Benign (1); Likely benign (2). Last evaluated 2026-04-24.

Conditions:
Colorectal cancer, susceptibility to, 1. Also called: COLORECTAL ADENOMA AND CANCER, SUSCEPTIBILITY TO; COLORECTAL CANCER, SUSCEPTIBILITY TO, ON CHROMOSOME 9. Identifiers: MedGen C1837315, MONDO:0012132, OMIM 608812.

gnomAD v4.1: 1 of 1,601,136 alleles (0.000062%); highest among the groups gnomAD compares: Admixed American, 0.0017%; no homozygotes.

Submissions (3):

Myriad Genetics, Inc.
Classification: Benign for Colorectal cancer, susceptibility to, 1. Last evaluated: 2026-04-24. Review status: criteria provided, single submitter. Criteria: Myriad Autosomal Dominant, Autosomal Recessive and X-Linked Classification Criteria (2023). Collection method: clinical testing. Allele origin: unknown.
Comment: This variant is considered benign. This variant is a silent/synonymous amino acid change and it is not expected to impact splicing.

Labcorp Genetics (formerly Invitae), Labcorp
Classification: Likely benign. Last evaluated: 2022-09-30. Review status: criteria provided, single submitter. Criteria: Invitae Variant Classification Sherloc (09022015). Collection method: clinical testing. Allele origin: germline.

Ambry Genetics
Classification: Likely benign. Last evaluated: 2021-02-17. Review status: criteria provided, single submitter. Criteria: Ambry Variant Classification Scheme 2023. Collection method: clinical testing. Allele origin: germline.